The following is an entry in ClinVar:

NM_000718.4(CACNA1B):c.6144G>A (p.Ser2048=)

Gene: CACNA1B (calcium voltage-gated channel subunit alpha1 B; plus strand). Cytogenetic location: 9q34.3.
Variant type: single nucleotide variant.
Coding change: c.6144G>A on transcript NM_000718.4 (MANE Select); coding-DNA position 6144, G replaced by A.
Protein change: p.Ser2048=; no amino-acid change (serine 2048 retained).
Molecular consequence: synonymous variant.
Genome position (GRCh38, 1-based): chr9:138,120,278, G>A. VCF-style: chr9-138120278-G-A. GRCh37 (hg19) VCF-style: chr9-141014730-G-A.
Other names: c.6144G>A, p.Ser2048= (NM_001243812.2).
Identifiers: ClinVar variation 1587844 (VCV001587844.34), dbSNP rs187721569, ClinGen allele CA5377620.
Genomic context (GRCh38, chr9:138,120,278, plus strand): 5'-GCCCCGTGGGACTCATCTTTGCAGCACCACCCCGGACCGCCCACCCCCTAGCCAGGCGTC[G>A]TCGCACCACCACCACCACCGCTGCCACCGCCGCAGGGACAGGAAGCAGAGGTCCCTGGAG-3'
Protein context (NP_000709.1, residues 2038-2058): TPDRPPPSQA[Ser2048=]SHHHHHRCHR

ClinVar aggregate classification (germline): Benign/Likely benign. Review status: criteria provided, multiple submitters, no conflicts (2 of 4 stars). 4 submissions from 4 submitters: Benign (2); Likely benign (2). Last evaluated 2026-06-01.

Allele frequency attached by ClinVar (database versions not stated): ESP Exome Variant Server 0.00071; 1000 Genomes Project 30x 0.00078; 1000 Genomes Project 0.00080; gnomAD 0.00096 and 0.00100; TOPMed 0.00127.
gnomAD v4.1: 1,412 of 1,584,210 alleles (0.089%); highest among the groups gnomAD compares: Middle Eastern, 0.54%; 3 homozygotes.

Submissions (4):

CeGaT Center for Human Genetics Tuebingen
Classification: Likely benign. Last evaluated: 2026-06-01. Review status: criteria provided, single submitter. Criteria: CeGaT Center For Human Genetics Tuebingen Variant Classification Criteria Version 2. Collection method: clinical testing. Allele origin: germline. Affected: yes. Observed: 5 variant alleles.
Comment: CACNA1B: BP4, BP7

Labcorp Genetics (formerly Invitae), Labcorp
Classification: Benign. Last evaluated: 2026-01-21. Review status: criteria provided, single submitter. Criteria: Invitae Variant Classification Sherloc (09022015). Collection method: clinical testing. Allele origin: germline.

Blueprint Genetics
Classification: Likely benign. Last evaluated: 2024-11-26. Review status: criteria provided, single submitter. Criteria: ACMG Guidelines, 2015. Collection method: clinical testing. Allele origin: germline.

Breakthrough Genomics
Classification: Benign. Review status: criteria provided, single submitter. Criteria: ACMG Guidelines, 2015. Collection method: not provided. Allele origin: germline. Inheritance: Autosomal recessive inheritance. Affected: yes.